The following is an entry in ClinVar:

NM_001429.4(EP300):c.1810C>T (p.Arg604Trp)

Gene: EP300 (EP300 lysine acetyltransferase; plus strand). Cytogenetic location: 22q13.2.
Variant type: single nucleotide variant.
Coding change: c.1810C>T on transcript NM_001429.4 (MANE Select); coding-DNA position 1810, C replaced by T.
Protein change: p.Arg604Trp; replaces arginine 604 with tryptophan.
Molecular consequence: missense variant.
Genome position (GRCh38, 1-based): chr22:41,140,189, C>T. VCF-style: chr22-41140189-C-T. GRCh37 (hg19) VCF-style: chr22-41536193-C-T.
Other names: c.1810C>T, p.Arg604Trp (NM_001362843.2); c.1810C>T (NM_001429.3); short protein forms R604W.
Identifiers: ClinVar variation 1951867 (VCV001951867.7), dbSNP rs2145724948, ClinGen allele CA411687671.

ClinVar aggregate classification (germline): Uncertain significance. Review status: criteria provided, multiple submitters, no conflicts (2 of 4 stars). 2 submissions from 2 submitters: Uncertain significance (2). Last evaluated 2026-03-30.

Conditions:
Rubinstein-Taybi syndrome due to EP300 haploinsufficiency. Also called: RUBINSTEIN-TAYBI SYNDROME 2; EP300-Related Rubinstein-Taybi Syndrome. Identifiers: Orphanet 353284, Orphanet 783, MedGen C3150941, MONDO:0013364, OMIM 613684.

Allele frequency attached by ClinVar (database versions not stated): gnomAD exomes below 0.00001.
gnomAD v4.1: 2 of 1,614,086 alleles (0.00012%); highest among the groups gnomAD compares: Non-Finnish European, 0.00017%; no homozygotes.

Submissions (2):

GeneDx
Classification: Uncertain significance. Last evaluated: 2026-03-30. Review status: criteria provided, single submitter. Criteria: GeneDx Variant Classification Process June 2021. Collection method: clinical testing. Allele origin: germline.
Comment: Has not been previously published as pathogenic or benign to our knowledge; Not observed at significant frequency in large population cohorts (gnomAD); In silico analysis supports that this missense variant has a deleterious effect on protein structure/function.

Labcorp Genetics (formerly Invitae), Labcorp
Classification: Uncertain significance for Rubinstein-Taybi syndrome due to EP300 haploinsufficiency. Last evaluated: 2022-09-13. Review status: criteria provided, single submitter. Criteria: Invitae Variant Classification Sherloc (09022015). Collection method: clinical testing. Allele origin: germline.
Comment: This sequence change replaces arginine, which is basic and polar, with tryptophan, which is neutral and slightly polar, at codon 604 of the EP300 protein (p.Arg604Trp). In summary, the available evidence is currently insufficient to determine the role of this variant in disease. Therefore, it has been classified as a Variant of Uncertain Significance. Advanced modeling of protein sequence and biophysical properties (such as structural, functional, and spatial information, amino acid conservation, physicochemical variation, residue mobility, and thermodynamic stability) performed at Invitae indicates that this missense variant is expected to disrupt EP300 protein function. This variant has not been reported in the literature in individuals affected with EP300-related conditions. This variant is not present in population databases (gnomAD no frequency).